The following is an entry in ClinVar:

ClinVar aggregate classification (germline): Uncertain significance (1 of 4 stars; one submission).

Conditions:
Early Myoclonic Encephalopathy. Identifiers: MedGen C0270855.

Allele frequency attached by ClinVar (database versions not stated): TOPMed 0.00004; gnomAD 0.00002 and 0.00003; gnomAD exomes 0.00003 and 0.00001; ExAC 0.00003; 1000 Genomes Project 0.00020; ESP Exome Variant Server 0.00008; 1000 Genomes Project 30x 0.00016.
gnomAD v4.1: 20 of 1,609,268 alleles (0.0012%); highest among the groups gnomAD compares: East Asian, 0.011%; no homozygotes.

Submission:

Labcorp Genetics (formerly Invitae), Labcorp
Classification: Uncertain significance for Early Myoclonic Encephalopathy. Last evaluated: 2025-11-17. Review status: criteria provided, single submitter. Criteria: Invitae Variant Classification Sherloc (09022015). Collection method: clinical testing. Allele origin: germline.
Comment: This sequence change affects codon 274 of the JMJD1C mRNA. It is a 'silent' change, meaning that it does not change the encoded amino acid sequence of the JMJD1C protein. It affects a nucleotide within the consensus splice site. This variant is present in population databases (rs369561675, gnomAD 0.02%). This variant has not been reported in the literature in individuals affected with JMJD1C-related conditions. ClinVar contains an entry for this variant (Variation ID: 1036502). Algorithms developed to predict the effect of sequence changes on RNA splicing suggest that this variant is not likely to affect RNA splicing. In summary, the available evidence is currently insufficient to determine the role of this variant in disease. Therefore, it has been classified as a Variant of Uncertain Significance.

NM_032776.3(JMJD1C):c.822C>T (p.His274=)

Gene: JMJD1C (jumonji domain containing 1C; minus strand). Cytogenetic location: 10q21.3.
Variant type: single nucleotide variant.
Coding change: c.822C>T on transcript NM_032776.3 (MANE Select); coding-DNA position 822, C replaced by T.
Protein change: p.His274=; no amino-acid change (histidine 274 retained).
Molecular consequence: synonymous variant. On other transcripts: 5 prime UTR variant (1), non-coding transcript variant (1).
Genome position (GRCh38, 1-based): chr10:63,215,553, G>A on the plus strand (C>T on the coding strand, the complement: JMJD1C is on the minus strand). VCF-style: chr10-63215553-G-A. GRCh37 (hg19) VCF-style: chr10-64975313-G-A.
Other names: c.276C>T, p.His92= (NM_001282948.2, NM_001318154.2); c.-47C>T (NM_001318153.2); c.708C>T, p.His236= (NM_001322252.2); c.165C>T, p.His55= (NM_001322254.2, NM_001322258.2).
Identifiers: ClinVar variation 1036502 (VCV001036502.9), dbSNP rs369561675, ClinGen allele CA5518949.
Genomic context (GRCh38, chr10:63,215,553, plus strand): 5'-GGTTTCTACTAGCCTAAGGAAAAATATTTTACAGAAATTCATCCCTAATAACATACATAC[G>A]TGAACAGCGTTGACGTTTTGATTGGCACGAGACCTGCGTCGTGATGTAATGCCAATATTT-3'
Protein context (NP_116165.1, residues 264-284): SRANQNVNAV[His274=]SHYTRAQANS